The following is an entry in ClinVar:

NM_182914.3(SYNE2):c.13036C>G (p.Leu4346Val)

Gene: SYNE2 (spectrin repeat containing nuclear envelope protein 2; plus strand). Cytogenetic location: 14q23.2.
Variant type: single nucleotide variant.
Coding change: c.13036C>G on transcript NM_182914.3 (MANE Select); coding-DNA position 13036, C replaced by G.
Protein change: p.Leu4346Val; replaces leucine 4346 with valine.
Molecular consequence: missense variant.
Genome position (GRCh38, 1-based): chr14:64,120,939, C>G. VCF-style: chr14-64120939-C-G. GRCh37 (hg19) VCF-style: chr14-64587657-C-G.
Other names: c.13036C>G, p.Leu4346Val (NM_015180.6); short protein forms L4346V.
Identifiers: ClinVar variation 3964477 (VCV003964477.2).

ClinVar aggregate classification (germline): Uncertain significance. Review status: criteria provided, multiple submitters, no conflicts (2 of 4 stars). 2 submissions from 2 submitters: Uncertain significance (2). Last evaluated 2025-06-22.

Conditions:
Emery-Dreifuss muscular dystrophy 5, autosomal dominant (EDMD5). Also called: EMERY-DREIFUSS MUSCULAR DYSTROPHY 5. Identifiers: Orphanet 261, MedGen C2751805, MONDO:0013072, OMIM 612999.

gnomAD v4.1: 15 of 1,613,960 alleles (0.00093%); highest among the groups gnomAD compares: African/African-American, 0.02%; no homozygotes.

Submissions (2):

Labcorp Genetics (formerly Invitae), Labcorp
Classification: Uncertain significance for Emery-Dreifuss muscular dystrophy 5, autosomal dominant. Last evaluated: 2025-06-22. Review status: criteria provided, single submitter. Criteria: Invitae Variant Classification Sherloc (09022015). Collection method: clinical testing. Allele origin: germline.
Comment: This sequence change replaces leucine, which is neutral and non-polar, with valine, which is neutral and non-polar, at codon 4346 of the SYNE2 protein (p.Leu4346Val). This variant is present in population databases (rs761572465, gnomAD 0.02%). This variant has not been reported in the literature in individuals affected with SYNE2-related conditions. An algorithm developed to predict the effect of missense changes on protein structure and function outputs the following: PolyPhen-2: "Benign". The valine amino acid residue is found in multiple mammalian species, which suggests that this missense change does not adversely affect protein function. In summary, the available evidence is currently insufficient to determine the role of this variant in disease. Therefore, it has been classified as a Variant of Uncertain Significance.

Ambry Genetics
Classification: Uncertain significance. Last evaluated: 2025-04-16. Review status: criteria provided, single submitter. Criteria: Ambry Variant Classification Scheme 2023. Collection method: clinical testing. Allele origin: germline.